The following is an entry in ClinVar:

NM_205861.3(DHDDS):c.916C>T (p.Arg306Trp)

Gene: DHDDS (dehydrodolichyl diphosphate synthase subunit; plus strand). Cytogenetic location: 1p36.11.
Variant type: single nucleotide variant.
Coding change: c.916C>T on transcript NM_205861.3 (MANE Select); coding-DNA position 916, C replaced by T.
Protein change: p.Arg306Trp; replaces arginine 306 with tryptophan.
Molecular consequence: missense variant.
Genome position (GRCh38, 1-based): chr1:26,469,045, C>T. VCF-style: chr1-26469045-C-T. GRCh37 (hg19) VCF-style: chr1-26795536-C-T.
Other names: c.814C>T, p.Arg272Trp (NM_001243564.2); c.799C>T, p.Arg267Trp (NM_001243565.2); c.637C>T, p.Arg213Trp (NM_001319959.2); c.919C>T, p.Arg307Trp (NM_024887.4); short protein forms R306W, R307W, R267W, R272W, R213W.
Identifiers: ClinVar variation 1505730 (VCV001505730.6), dbSNP rs139109356, ClinGen allele CA705490.

ClinVar aggregate classification (germline): Uncertain significance. Review status: criteria provided, multiple submitters, no conflicts (2 of 4 stars). 2 submissions from 2 submitters: Uncertain significance (2). Last evaluated 2025-12-13.

Conditions:
Retinitis pigmentosa 59 (RP59). Identifiers: Orphanet 791, MedGen C3151227, MONDO:0013468, OMIM 613861.

Allele frequency attached by ClinVar (database versions not stated): ExAC 0.00001; gnomAD 0.00001 and 0.00002; gnomAD exomes 0.00001; ESP Exome Variant Server 0.00008.

Submissions (2):

Labcorp Genetics (formerly Invitae), Labcorp
Classification: Uncertain significance for Retinitis pigmentosa 59. Last evaluated: 2025-12-13. Review status: criteria provided, single submitter. Criteria: Invitae Variant Classification Sherloc (09022015). Collection method: clinical testing. Allele origin: germline.
Comment: This sequence change replaces arginine, which is basic and polar, with tryptophan, which is neutral and slightly polar, at codon 307 of the DHDDS protein (p.Arg307Trp). This variant is present in population databases (rs139109356, gnomAD 0.006%). This variant has not been reported in the literature in individuals affected with DHDDS-related conditions. ClinVar contains an entry for this variant (Variation ID: 1505730). An algorithm developed to predict the effect of missense changes on protein structure and function (PolyPhen-2) suggests that this variant is likely to be disruptive. In summary, the available evidence is currently insufficient to determine the role of this variant in disease. Therefore, it has been classified as a Variant of Uncertain Significance.

Blueprint Genetics
Classification: Uncertain significance. Last evaluated: 2022-09-02. Review status: criteria provided, single submitter. Criteria: ACMG Guidelines, 2015. Collection method: clinical testing. Allele origin: germline.